The following is an entry in ClinVar:

NM_003072.5(SMARCA4):c.4677del (p.Ser1559fs)

Gene: SMARCA4 (SWI/SNF related BAF chromatin remodeling complex subunit ATPase 4; plus strand). Cytogenetic location: 19p13.2.
Variant type: Deletion.
Coding change: c.4677del on transcript NM_003072.5 (MANE Select); coding-DNA position 4677, one base deleted (C; older notation c.4677delC).
Protein change: p.Ser1559fs; shifts the reading frame from serine 1559.
Molecular consequence: frameshift variant. On other transcripts: non-coding transcript variant (1).
Genome position (GRCh38, 1-based): chr19:11,059,794, C deleted. VCF-style (leftmost placement, unchanged base first): chr19-11059793-GC-G. GRCh37 (hg19) VCF-style: chr19-11170469-GC-G.
Other names: c.4677del, p.Ser1559fs (NM_001128844.3); c.4587del, p.Ser1529fs (NM_001128845.2); c.4584del, p.Ser1528fs (NM_001128846.2); c.4578del, p.Ser1526fs (NM_001128847.4, NM_001374457.1); c.4575del, p.Ser1525fs (NM_001128848.2); c.4773del, p.Ser1591fs (NM_001128849.3, NM_001387283.1); c.4674del, p.Ser1558fs (NM_001411150.1); short protein forms S1525fs, S1526fs, S1528fs, S1529fs, S1558fs, S1559fs, S1591fs.
Identifiers: ClinVar variation 4856769 (VCV004856769.1).

ClinVar aggregate classification (germline): Pathogenic (1 of 4 stars; one submission).

Conditions:
Rhabdoid tumor predisposition syndrome 2 (RTPS2). Identifiers: Orphanet 231108, Orphanet 69077, MedGen C2750074, MONDO:0013224, OMIM 613325.

Submission:

Myriad Genetics, Inc.
Classification: Pathogenic for Rhabdoid tumor predisposition syndrome 2. Last evaluated: 2026-03-31. Review status: criteria provided, single submitter. Criteria: Myriad Autosomal Dominant, Autosomal Recessive and X-Linked Classification Criteria (2023). Collection method: clinical testing. Allele origin: unknown.
Comment: This variant is considered pathogenic. This variant creates a frameshift predicted to result in premature protein truncation.